The following is an entry in ClinVar:

ClinVar aggregate classification (germline): Uncertain significance (1 of 4 stars; one submission).

Conditions:
Alpha thalassemia-X-linked intellectual disability syndrome (ATRX). Also called: ALPHA-THALASSEMIA/MENTAL RETARDATION SYNDROME, X-LINKED; ATR, NONDELETION TYPE; ATR-X syndrome; Alpha thalassemia mental retardation syndrome, nondeletion type, X-linked; XLMR hypotonic face syndrome; X-linked alpha-thalassemia-mental retardation syndrome. Identifiers: Orphanet 847, MedGen C1845055, MONDO:0010519, OMIM 301040.

Submission:

Labcorp Genetics (formerly Invitae), Labcorp
Classification: Uncertain significance for Alpha thalassemia-X-linked intellectual disability syndrome. Last evaluated: 2025-11-25. Review status: criteria provided, single submitter. Criteria: Invitae Variant Classification Sherloc (09022015). Collection method: clinical testing. Allele origin: germline.
Comment: This sequence change replaces leucine, which is neutral and non-polar, with serine, which is neutral and polar, at codon 2297 of the ATRX protein (p.Leu2297Ser). This variant is not present in population databases (gnomAD no frequency). This variant has not been reported in the literature in individuals affected with ATRX-related conditions. Invitae Evidence Modeling of protein sequence and biophysical properties (such as structural, functional, and spatial information, amino acid conservation, physicochemical variation, residue mobility, and thermodynamic stability) indicates that this missense variant is not expected to disrupt ATRX protein function with a negative predictive value of 95%. In summary, the available evidence is currently insufficient to determine the role of this variant in disease. Therefore, it has been classified as a Variant of Uncertain Significance.

NM_000489.6(ATRX):c.6890T>C (p.Leu2297Ser)

Gene: ATRX (ATRX chromatin remodeler; minus strand). Cytogenetic location: Xq21.1.
Variant type: single nucleotide variant.
Coding change: c.6890T>C on transcript NM_000489.6 (MANE Select); coding-DNA position 6890, T replaced by C.
Protein change: p.Leu2297Ser; replaces leucine 2297 with serine.
Molecular consequence: missense variant.
Genome position (GRCh38, 1-based): chrX:77,522,348, A>G on the plus strand (T>C on the coding strand, the complement: ATRX is on the minus strand). VCF-style: chrX-77522348-A-G. GRCh37 (hg19) VCF-style: chrX-76777826-A-G.
Other names: c.6776T>C, p.Leu2259Ser (NM_138270.5); short protein forms L2259S, L2297S.
Identifiers: ClinVar variation 4801095 (VCV004801095.1).